The following is an entry in ClinVar:

NM_001037131.3(AGAP1):c.1108G>A (p.Val370Ile)

Gene: AGAP1 (ArfGAP with GTPase domain, ankyrin repeat and PH domain 1; plus strand). Cytogenetic location: 2q37.2.
Variant type: single nucleotide variant.
Coding change: c.1108G>A on transcript NM_001037131.3 (MANE Select); coding-DNA position 1108, G replaced by A.
Protein change: p.Val370Ile; replaces valine 370 with isoleucine.
Molecular consequence: missense variant.
Genome position (GRCh38, 1-based): chr2:235,883,402, G>A. VCF-style: chr2-235883402-G-A. GRCh37 (hg19) VCF-style: chr2-236792046-G-A.
Other names: c.1108G>A, p.Val370Ile (NM_014914.5); short protein forms V370I.
Identifiers: ClinVar variation 2807247 (VCV002807247.3), dbSNP rs2050126467, ClinGen allele CA351182412.
Genomic context (GRCh38, chr2:235,883,402, plus strand): 5'-TAGGGCATGCTGTTGAAGCGAAGTGGCAAATCGTTGAATAAAGAGTGGAAAAAGAAATAT[G>A]TCACCCTGTGTGACAATGGCGTGCTGACCTATCATCCCAGTTTACATGTGAGTATAGCCC-3'
Protein context (NP_001032208.1, residues 360-380): SLNKEWKKKY[Val370Ile]TLCDNGVLTY

ClinVar aggregate classification (germline): Uncertain significance (1 of 4 stars; one submission).

Allele frequency attached by ClinVar (database versions not stated): gnomAD exomes below 0.00001; gnomAD 0.00001.
gnomAD v4.1: 2 of 1,613,970 alleles (0.00012%); highest among the groups gnomAD compares: Admixed American, 0.0017%; no homozygotes.

Submission:

Labcorp Genetics (formerly Invitae), Labcorp
Classification: Uncertain significance. Last evaluated: 2023-02-03. Review status: criteria provided, single submitter. Criteria: Invitae Variant Classification Sherloc (09022015). Collection method: clinical testing. Allele origin: germline.
Comment: This sequence change replaces valine, which is neutral and non-polar, with isoleucine, which is neutral and non-polar, at codon 370 of the AGAP1 protein (p.Val370Ile). This variant is not present in population databases (gnomAD no frequency). This variant has not been reported in the literature in individuals affected with AGAP1-related conditions. Algorithms developed to predict the effect of missense changes on protein structure and function are either unavailable or do not agree on the potential impact of this missense change (SIFT: "Deleterious"; PolyPhen-2: "Probably Damaging"; Align-GVGD: "Class C0"). In summary, the available evidence is currently insufficient to determine the role of this variant in disease. Therefore, it has been classified as a Variant of Uncertain Significance.